The following is an entry in ClinVar:

ClinVar aggregate classification (germline): Uncertain significance. Review status: criteria provided, multiple submitters, no conflicts (2 of 4 stars). 2 submissions from 2 submitters: Uncertain significance (2). Last evaluated 2024-09-09.

Allele frequency attached by ClinVar (database versions not stated): gnomAD 0.00001; gnomAD exomes 0.00001; ExAC 0.00002; TOPMed 0.00002.
gnomAD v4.1: 15 of 1,611,994 alleles (0.00093%); highest among the groups gnomAD compares: Non-Finnish European, 0.0013%; no homozygotes.

Submissions (2):

Labcorp Genetics (formerly Invitae), Labcorp
Classification: Uncertain significance. Last evaluated: 2024-09-09. Review status: criteria provided, single submitter. Criteria: Invitae Variant Classification Sherloc (09022015). Collection method: clinical testing. Allele origin: germline.
Comment: This sequence change replaces valine, which is neutral and non-polar, with isoleucine, which is neutral and non-polar, at codon 457 of the DYNC1I1 protein (p.Val457Ile). This variant is present in population databases (rs774000073, gnomAD 0.003%). This variant has not been reported in the literature in individuals affected with DYNC1I1-related conditions. ClinVar contains an entry for this variant (Variation ID: 1913077). An algorithm developed to predict the effect of missense changes on protein structure and function (PolyPhen-2) suggests that this variant is likely to be disruptive. In summary, the available evidence is currently insufficient to determine the role of this variant in disease. Therefore, it has been classified as a Variant of Uncertain Significance.

Ambry Genetics
Classification: Uncertain significance. Last evaluated: 2022-11-17. Review status: criteria provided, single submitter. Criteria: Ambry Variant Classification Scheme 2023. Collection method: clinical testing. Allele origin: germline.

NM_001135556.2(DYNC1I1):c.1318G>A (p.Val440Ile)

Gene: DYNC1I1 (dynein cytoplasmic 1 intermediate chain 1; plus strand). Cytogenetic location: 7q21.3.
Variant type: single nucleotide variant.
Coding change: c.1318G>A on transcript NM_001135556.2 (MANE Select); coding-DNA position 1318, G replaced by A.
Protein change: p.Val440Ile; replaces valine 440 with isoleucine.
Molecular consequence: missense variant.
Genome position (GRCh38, 1-based): chr7:96,035,706, G>A. VCF-style: chr7-96035706-G-A. GRCh37 (hg19) VCF-style: chr7-95665018-G-A.
Other names: c.1258G>A, p.Val420Ile (NM_001135557.2, NM_001278422.2); c.1309G>A, p.Val437Ile (NM_001278421.2); c.1369G>A, p.Val457Ile (NM_004411.5); short protein forms V440I, V420I, V457I, V437I.
Identifiers: ClinVar variation 1913077 (VCV001913077.6), dbSNP rs774000073, ClinGen allele CA4352498.